The following is an entry in ClinVar:

NM_001160372.4(TRAPPC9):c.1355C>A (p.Thr452Lys)

Gene: TRAPPC9 (trafficking protein particle complex subunit 9; minus strand). Cytogenetic location: 8q24.3.
Variant type: single nucleotide variant.
Coding change: c.1355C>A on transcript NM_001160372.4 (MANE Select); coding-DNA position 1355, C replaced by A.
Protein change: p.Thr452Lys; replaces threonine 452 with lysine.
Molecular consequence: missense variant. On other transcripts: non-coding transcript variant (1), intron variant (1).
Genome position (GRCh38, 1-based): chr8:140,360,190, G>T on the plus strand (C>A on the coding strand, the complement: TRAPPC9 is on the minus strand). VCF-style: chr8-140360190-G-T. GRCh37 (hg19) VCF-style: chr8-141370289-G-T.
Other names: c.1328C>A, p.Thr443Lys (NM_001321646.2); c.1376C>A, p.Thr459Lys (NM_001374682.1); c.1355C>A, p.Thr452Lys (NM_001374683.1, NM_031466.8); c.1351+10774C>A (NM_001374684.1); short protein forms T443K, T452K, T459K.
Identifiers: ClinVar variation 1777206 (VCV001777206.6), dbSNP rs140637825, ClinGen allele CA4893469.
Genomic context (GRCh38, chr8:140,360,190, plus strand): 5'-CGGGAGGCGTAGACCAATTCATGGAGCAAACGCATCTGGACCGCAGCCCAGCCTCTGTGC[G>T]TGCCTGCGATGGAAGTTACAAAACATCACAAAAGTGCTTGGAGAGGGTACAGGAAATACG-3'
Protein context (NP_001153844.1, residues 442-462): SLDPKDFSRG[Thr452Lys]HRGWAAVQMR

ClinVar aggregate classification (germline): Uncertain significance. Review status: criteria provided, multiple submitters, no conflicts (2 of 4 stars). 2 submissions from 2 submitters: Uncertain significance (2). Last evaluated 2023-10-31.

Conditions:
Inborn genetic diseases. Identifiers: MedGen C0950123, MeSH D030342.

gnomAD v4.1: 42 of 1,614,058 alleles (0.0026%); highest among the groups gnomAD compares: Admixed American, 0.068%; 2 homozygotes.

Submissions (2):

Labcorp Genetics (formerly Invitae), Labcorp
Classification: Uncertain significance. Last evaluated: 2023-10-31. Review status: criteria provided, single submitter. Criteria: Invitae Variant Classification Sherloc (09022015). Collection method: clinical testing. Allele origin: germline.
Comment: This sequence change replaces threonine, which is neutral and polar, with lysine, which is basic and polar, at codon 550 of the TRAPPC9 protein (p.Thr550Lys). This variant is present in population databases (rs140637825, gnomAD 0.04%). This variant has not been reported in the literature in individuals affected with TRAPPC9-related conditions. ClinVar contains an entry for this variant (Variation ID: 1777206). An algorithm developed to predict the effect of missense changes on protein structure and function (PolyPhen-2) suggests that this variant is likely to be disruptive. In summary, the available evidence is currently insufficient to determine the role of this variant in disease. Therefore, it has been classified as a Variant of Uncertain Significance.

Ambry Genetics
Classification: Uncertain significance for Inborn genetic diseases. Last evaluated: 2019-07-31. Review status: criteria provided, single submitter. Criteria: Ambry Variant Classification Scheme 2023. Collection method: clinical testing. Allele origin: germline.
Comment: The p.T550K variant (also known as c.1649C>A), located in coding exon 9 of the TRAPPC9 gene, results from a C to A substitution at nucleotide position 1649. The threonine at codon 550 is replaced by lysine, an amino acid with similar properties. This amino acid position is well conserved in available vertebrate species. In addition, the in silico prediction for this alteration is inconclusive. Since supporting evidence is limited at this time, the clinical significance of this alteration remains unclear.